The following is an entry in ClinVar:

ClinVar aggregate classification (germline): Likely benign. Review status: criteria provided, multiple submitters, no conflicts (2 of 4 stars). 4 submissions from 4 submitters: Likely benign (3). 1 of the submissions does not count toward it. Last evaluated 2024-09-24.

Conditions:
Inborn genetic diseases. Identifiers: MedGen C0950123, MeSH D030342.
Intellectual disability. Also called: intellectual disabilities; Intellectual developmental disorder; Intellectual functioning disability. Identifiers: MedGen C3714756, MeSH D008607, MONDO:0001071, HP:0001249.

Allele frequency attached by ClinVar (database versions not stated): gnomAD exomes 0.00006 and 0.00007; TOPMed 0.00002; ExAC 0.00007; gnomAD 0.00004.
gnomAD v4.1: 92 of 1,613,898 alleles (0.0057%); highest among the groups gnomAD compares: Admixed American, 0.012%; no homozygotes.

Submissions (4):

Women's Health and Genetics/Laboratory Corporation of America, LabCorp
Classification: Likely benign. Last evaluated: 2024-09-24. Review status: criteria provided, single submitter. Criteria: LabCorp Variant Classification Summary - May 2015. Collection method: clinical testing. Allele origin: germline.
Comment: Variant summary: MYT1L c.1189G>T (p.Ala397Ser) results in a conservative amino acid change in the encoded protein sequence. Five of five in-silico tools predict a benign effect of the variant on protein function. The variant allele was found at a frequency of 7.2e-05 in 249272 control chromosomes, predominantly at a frequency of 0.00014 within the Latino subpopulation in the gnomAD database, suggesting the variant could be benign. To our knowledge, no occurrence of c.1189G>T in individuals affected with Mental Retardation, Autosomal Dominant 39 and no experimental evidence demonstrating its impact on protein function have been reported. ClinVar contains an entry for this variant (Variation ID: 975614). Based on the evidence outlined above, the variant was classified as likely benign.

Ambry Genetics
Classification: Likely benign for Inborn genetic diseases. Last evaluated: 2022-07-26. Review status: criteria provided, single submitter. Criteria: Ambry Variant Classification Scheme 2023. Collection method: clinical testing. Allele origin: germline.

Cambridge Genomics Laboratory, East Genomic Laboratory Hub, NHS Genomic Medicine Service
Classification: Likely benign for Intellectual disability. Last evaluated: 2019-04-17. Review status: criteria provided, single submitter. Criteria: ACGS Best Practice Guidelines for Variant Classification in Rare Disease 2020. Collection method: clinical testing. Allele origin: germline. Affected: yes. Observed: 1 variant allele.

Centre de Biologie Pathologie Génétique, Centre Hospitalier Universitaire de Lille
Classification: Likely benign for Intellectual disability. Last evaluated: 2019-01-01. Review status: no assertion criteria provided. Collection method: clinical testing. Allele origin: inherited. Affected: yes. Not counted in ClinVar's aggregate classification.

NM_001303052.2(MYT1L):c.1189G>T (p.Ala397Ser)

Gene: MYT1L (myelin transcription factor 1 like; minus strand). Cytogenetic location: 2p25.3.
Variant type: single nucleotide variant.
Coding change: c.1189G>T on transcript NM_001303052.2 (MANE Select); coding-DNA position 1189, G replaced by T.
Protein change: p.Ala397Ser; replaces alanine 397 with serine.
Molecular consequence: missense variant.
Genome position (GRCh38, 1-based): chr2:1,922,580, C>A on the plus strand (G>T on the coding strand, the complement: MYT1L is on the minus strand). VCF-style: chr2-1922580-C-A. GRCh37 (hg19) VCF-style: chr2-1926352-C-A.
Other names: c.1189G>T, p.Ala397Ser (NM_001329844.2, NM_001329845.1, NM_001329846.3 and 6 more transcripts); c.1189G>T (NM_015025.2); short protein forms A397S.
Identifiers: ClinVar variation 975614 (VCV000975614.6), dbSNP rs755926766, ClinGen allele CA1514283.